The following is an entry in ClinVar:

NM_000059.4(BRCA2):c.1085A>T (p.Asp362Val)

Gene: BRCA2 (BRCA2 DNA repair associated; plus strand). Cytogenetic location: 13q13.1.
Variant type: single nucleotide variant.
Coding change: c.1085A>T on transcript NM_000059.4 (MANE Select); coding-DNA position 1085, A replaced by T.
Protein change: p.Asp362Val; replaces aspartic acid 362 with valine.
Molecular consequence: missense variant. On other transcripts: non-coding transcript variant (1), intron variant (1).
Genome position (GRCh38, 1-based): chr13:32,332,563, A>T. VCF-style: chr13-32332563-A-T. GRCh37 (hg19) VCF-style: chr13-32906700-A-T.
Other names: c.1085A>T, p.Asp362Val (NM_001406719.1, NM_001406720.1, NM_001406721.1 and 1 more transcripts); c.424+1533A>T (NM_001406722.1); short protein forms D362V.
Identifiers: ClinVar variation 4824555 (VCV004824555.1).

ClinVar aggregate classification (germline): Uncertain significance (1 of 4 stars; one submission).

Conditions:
Hereditary cancer-predisposing syndrome. Also called: Neoplastic Syndromes, Hereditary; Hereditary neoplastic syndrome; Tumor predisposition; Hereditary Cancer Syndrome. Identifiers: Orphanet 140162, MedGen C0027672, MeSH D009386, MONDO:0015356.

gnomAD v4.1: 1 of 1,612,860 alleles (0.000062%); highest among the groups gnomAD compares: East Asian, 0.0022%; no homozygotes.

Submission:

Ambry Genetics
Classification: Uncertain significance for Hereditary cancer-predisposing syndrome. Last evaluated: 2026-02-18. Review status: criteria provided, single submitter. Criteria: Ambry Variant Classification Scheme 2023. Collection method: clinical testing. Allele origin: germline.
Comment: The p.D362V variant (also known as c.1085A>T), located in coding exon 9 of the BRCA2 gene, results from an A to T substitution at nucleotide position 1085. The aspartic acid at codon 362 is replaced by valine, an amino acid with highly dissimilar properties. This amino acid position is not well conserved in available vertebrate species. In addition, this alteration is predicted to be tolerated by in silico analysis. Based on the available evidence, the clinical significance of this variant remains unclear.